The following is an entry in ClinVar:

ClinVar aggregate classification (germline): Uncertain significance (1 of 4 stars; one submission).

gnomAD v4.1: 1 of 1,614,070 alleles (0.000062%); highest among the groups gnomAD compares: South Asian, 0.0011%; no homozygotes.

Submission:

Labcorp Genetics (formerly Invitae), Labcorp
Classification: Uncertain significance. Last evaluated: 2023-03-20. Review status: criteria provided, single submitter. Criteria: Invitae Variant Classification Sherloc (09022015). Collection method: clinical testing. Allele origin: germline.
Comment: Algorithms developed to predict the effect of missense changes on protein structure and function output the following: SIFT: "Not Available"; PolyPhen-2: "Benign"; Align-GVGD: "Not Available". The valine amino acid residue is found in multiple mammalian species, which suggests that this missense change does not adversely affect protein function. This variant has not been reported in the literature in individuals affected with VCAN-related conditions. This variant is present in population databases (no rsID available, gnomAD 0.003%). This sequence change replaces methionine, which is neutral and non-polar, with valine, which is neutral and non-polar, at codon 2719 of the VCAN protein (p.Met2719Val). In summary, the available evidence is currently insufficient to determine the role of this variant in disease. Therefore, it has been classified as a Variant of Uncertain Significance.

NM_004385.5(VCAN):c.8155A>G (p.Met2719Val)

Genes: VCAN (versican; plus strand), VCAN-AS1 (VCAN antisense RNA 1; minus strand). Cytogenetic location: 5q14.3.
Variant type: single nucleotide variant.
Coding change: c.8155A>G on transcript NM_004385.5 (MANE Select); coding-DNA position 8155, A replaced by G.
Protein change: p.Met2719Val; replaces methionine 2719 with valine.
Molecular consequence: missense variant. On other transcripts: intron variant (2).
Genome position (GRCh38, 1-based): chr5:83,541,158, A>G. VCF-style: chr5-83541158-A-G. GRCh37 (hg19) VCF-style: chr5-82836977-A-G.
Other names: c.5194A>G, p.Met1732Val (NM_001164097.2); c.4004-4379A>G (NM_001164098.2); c.1043-4379A>G (NM_001126336.3); short protein forms M2719V, M1732V.
Identifiers: ClinVar variation 2845958 (VCV002845958.3), dbSNP rs1371691679, ClinGen allele CA360316292.